The following is an entry in ClinVar:

NC_000006.11:g.(?_137167201)_(137234674_?)del

Gene: PEX7 (peroxisomal biogenesis factor 7; plus strand). Cytogenetic location: 6q23.3.
Variant type: Deletion.
Identifiers: ClinVar variation 1459604 (VCV001459604.3).

ClinVar aggregate classification (germline): Pathogenic (1 of 4 stars; one submission).

Conditions:
Peroxisome biogenesis disorder 9B. Also called: PEX7-Related Refsum Disease; PEROXISOME BIOGENESIS DISORDER, PEX7-RELATED, ATYPICAL; Refsum disease, adult, 2. Identifiers: Orphanet 773, MedGen C2749346, MONDO:0013945, OMIM 614879.

Submission:

Labcorp Genetics (formerly Invitae), Labcorp
Classification: Pathogenic for Peroxisome biogenesis disorder 9B. Last evaluated: 2021-09-26. Review status: criteria provided, single submitter. Criteria: Invitae Variant Classification Sherloc (09022015). Collection method: clinical testing. Allele origin: germline.
Comment: This variant is a gross deletion of the genomic region encompassing exon(s) 5-10 of the PEX7 gene, which includes the termination codon. This deletion extends beyond the assayed region for this gene and therefore may encompass additional genes. While this deletion is not anticipated to lead to nonsense mediated decay, it is expected to alter mRNA translation or result in a truncated protein product. This variant has not been reported in the literature in individuals affected with PEX7-related conditions. This variant disrupts a region of the PEX7 protein in which other variant(s) (p.Ala218Val) have been determined to be pathogenic (PMID: 9090381, 10083738, 11756410, 11781871, 12325024). This suggests that this is a clinically significant region of the protein, and that variants that disrupt it are likely to be disease-causing. For these reasons, this variant has been classified as Pathogenic.

Literature cited by the submitters: PubMed 9090381; PubMed 10083738; PubMed 11756410; PubMed 11781871; PubMed 12325024.